The following is an entry in ClinVar:

ClinVar aggregate classification (germline): Uncertain significance (1 of 4 stars; one submission).

Conditions:
Episodic ataxia type 1 (EA1). Also called: Episodic ataxia/myokymia syndrome; ATAXIA, EPISODIC, WITH MYOKYMIA; MYOKYMIA WITH PERIODIC ATAXIA; PAROXYSMAL ATAXIA WITH NEUROMYOTONIA, HEREDITARY. Identifiers: Orphanet 37612, Orphanet 972, MedGen C1719788, MONDO:0008047, OMIM 160120.

Submission:

Labcorp Genetics (formerly Invitae), Labcorp
Classification: Uncertain significance for Episodic ataxia type 1. Last evaluated: 2022-12-20. Review status: criteria provided, single submitter. Criteria: Invitae Variant Classification Sherloc (09022015). Collection method: clinical testing. Allele origin: germline.
Comment: In summary, the available evidence is currently insufficient to determine the role of this variant in disease. Therefore, it has been classified as a Variant of Uncertain Significance. Algorithms developed to predict the effect of missense changes on protein structure and function (SIFT, PolyPhen-2, Align-GVGD) all suggest that this variant is likely to be disruptive. This variant has not been reported in the literature in individuals affected with KCNA1-related conditions. This variant is not present in population databases (gnomAD no frequency). This sequence change replaces lysine, which is basic and polar, with arginine, which is basic and polar, at codon 304 of the KCNA1 protein (p.Lys304Arg).

NM_000217.3(KCNA1):c.911A>G (p.Lys304Arg)

Gene: KCNA1 (potassium voltage-gated channel subfamily A member 1; plus strand). Cytogenetic location: 12p13.32.
Variant type: single nucleotide variant.
Coding change: c.911A>G on transcript NM_000217.3 (MANE Select); coding-DNA position 911, A replaced by G.
Protein change: p.Lys304Arg; replaces lysine 304 with arginine.
Molecular consequence: missense variant.
Genome position (GRCh38, 1-based): chr12:4,912,289, A>G. VCF-style: chr12-4912289-A-G. GRCh37 (hg19) VCF-style: chr12-5021455-A-G.
Other names: short protein forms K304R.
Identifiers: ClinVar variation 2900044 (VCV002900044.3), dbSNP rs2497353381, ClinGen allele CA383455613.